The following is an entry in ClinVar:

NC_000013.10:g.(?_30999468)_(31204468_?)del

Genes: HMGB1 (high mobility group box 1; minus strand), USPL1 (ubiquitin specific peptidase like 1; plus strand). Cytogenetic location: 13q12.3.
Variant type: Deletion.
Identifiers: ClinVar variation 3244203 (VCV003244203.1).

ClinVar aggregate classification (germline): Pathogenic (1 of 4 stars; one submission).

Submission:

Labcorp Genetics (formerly Invitae), Labcorp
Classification: Pathogenic. Last evaluated: 2022-12-29. Review status: criteria provided, single submitter. Criteria: Invitae Variant Classification Sherloc (09022015). Collection method: clinical testing. Allele origin: unknown.
Comment: For these reasons, this variant has been classified as Pathogenic. Isolated whole-gene deletions of HMGB1 have not been reported in the literature. However, larger copy number events that include this gene have been reported (PMID: 34164801). A gross deletion of the genomic region encompassing the full coding sequence of the HMGB1 gene has been identified. Loss-of-function variants in HMGB1 are known to be pathogenic (PMID: 34164801). The boundaries of this event are unknown as they extend beyond the assayed region for this gene and therefore may encompass additional genes.

Literature cited by the submitters: PubMed 34164801.